The following is an entry in ClinVar:

NM_003283.6(TNNT1):c.193-42C>G

Gene: TNNT1 (troponin T1, slow skeletal type; minus strand). Cytogenetic location: 19q13.42.
Variant type: single nucleotide variant.
Coding change: c.193-42C>G on transcript NM_003283.6 (MANE Select); 42 bases into the intron before coding-DNA position 193, C replaced by G.
Molecular consequence: intron variant.
Genome position (GRCh38, 1-based): chr19:55,141,344, G>C on the plus strand (C>G on the coding strand, the complement: TNNT1 is on the minus strand). VCF-style: chr19-55141344-G-C. GRCh37 (hg19) VCF-style: chr19-55652712-G-C.
Other names: c.160-42C>G (NM_001126133.3, NM_001291774.2); c.193-42C>G (NM_001126132.3).
Identifiers: ClinVar variation 259030 (VCV000259030.3), dbSNP rs73060953, ClinGen allele CA9667521.

ClinVar aggregate classification (germline): Benign/Likely benign. Review status: criteria provided, multiple submitters, no conflicts (2 of 4 stars). 3 submissions from 3 submitters: Benign (1); Likely benign (2). Last evaluated 2018-06-14.

Allele frequency attached by ClinVar (database versions not stated): 1000 Genomes Project 0.02177; 1000 Genomes Project 30x 0.02249; TOPMed 0.03262; gnomAD exomes 0.03319; gnomAD 0.03330 and 0.03432; ExAC 0.03376; ESP Exome Variant Server 0.03845.
gnomAD v4.1: 58,458 of 1,498,868 alleles (3.9%); highest among the groups gnomAD compares: Middle Eastern, 5.3%; 1,242 homozygotes.

Submissions (3):

GeneDx
Classification: Likely benign. Last evaluated: 2018-06-14. Review status: criteria provided, single submitter. Criteria: GeneDx Variant Classification (06012015). Collection method: clinical testing. Allele origin: germline. Affected: yes.
Comment: This variant is considered likely benign or benign based on one or more of the following criteria: it is a conservative change, it occurs at a poorly conserved position in the protein, it is predicted to be benign by multiple in silico algorithms, and/or has population frequency not consistent with disease.

Breakthrough Genomics
Classification: Likely benign. Review status: criteria provided, single submitter. Criteria: ACMG Guidelines, 2015. Collection method: not provided. Allele origin: germline. Inheritance: Autosomal recessive inheritance. Affected: yes.

PreventionGenetics, part of Exact Sciences
Classification: Benign. Review status: criteria provided, single submitter. Criteria: ACMG Guidelines, 2015. Collection method: clinical testing. Allele origin: germline.